The following is an entry in ClinVar:

ClinVar aggregate classification (germline): Pathogenic (1 of 4 stars; one submission).

Conditions:
Familial hemophagocytic lymphohistiocytosis 3 (FHL3). Also called: UNC13D-Related Familial Hemophagocytic Lymphohistiocytosis (UNC13D-fHLH). Identifiers: Orphanet 540, MedGen C1837174, MONDO:0012146, OMIM 608898.

Allele frequency attached by ClinVar (database versions not stated): gnomAD 0.00001; gnomAD exomes below 0.00001.

Submission:

Labcorp Genetics (formerly Invitae), Labcorp
Classification: Pathogenic for Familial hemophagocytic lymphohistiocytosis 3. Last evaluated: 2023-03-14. Review status: criteria provided, single submitter. Criteria: Invitae Variant Classification Sherloc (09022015). Collection method: clinical testing. Allele origin: germline.
Comment: This sequence change creates a premature translational stop signal (p.Arg287Glufs*41) in the UNC13D gene. It is expected to result in an absent or disrupted protein product. Loss-of-function variants in UNC13D are known to be pathogenic (PMID: 14622600). This variant is not present in population databases (gnomAD no frequency). This premature translational stop signal has been observed in individual(s) with clinical features of hemophagocytic lymphohistiocytosis (HLH) (PMID: 32542393). ClinVar contains an entry for this variant (Variation ID: 1412812). Algorithms developed to predict the effect of sequence changes on RNA splicing suggest that this variant may disrupt the consensus splice site. For these reasons, this variant has been classified as Pathogenic.

Literature cited by the submitters: PubMed 14622600; PubMed 32542393.

NM_199242.3(UNC13D):c.859del (p.Arg287fs)

Gene: UNC13D (unc-13 homolog D; minus strand). Cytogenetic location: 17q25.1.
Variant type: Deletion.
Coding change: c.859del on transcript NM_199242.3 (MANE Select); coding-DNA position 859, one base deleted (A; older notation c.859delA).
Protein change: p.Arg287fs; shifts the reading frame from arginine 287.
Molecular consequence: frameshift variant.
Genome position (GRCh38, 1-based): chr17:75,840,110, T deleted on the plus strand (A on the coding strand, the reverse complement: UNC13D is on the minus strand). VCF-style (leftmost placement, unchanged base first): chr17-75840109-CT-C. GRCh37 (hg19) VCF-style: chr17-73836190-CT-C.
Other names: short protein forms R287fs.
Identifiers: ClinVar variation 1412812 (VCV001412812.9), dbSNP rs2064937140, ClinGen allele CA986360295.